The following is an entry in ClinVar:

ClinVar aggregate classification (germline): Uncertain significance. Review status: criteria provided, multiple submitters, no conflicts (2 of 4 stars). 2 submissions from 2 submitters: Uncertain significance (2). Last evaluated 2024-07-29.

Conditions:
Hereditary cancer-predisposing syndrome. Also called: Tumor predisposition; Neoplastic Syndromes, Hereditary; Hereditary Cancer Syndrome; Hereditary neoplastic syndrome. Identifiers: Orphanet 140162, MedGen C0027672, MeSH D009386, MONDO:0015356.
Ataxia-telangiectasia syndrome (AT). Also called: Cerebello-oculocutaneous telangiectasia; Immunodeficiency with ataxia telangiectasia; ATAXIA-TELANGIECTASIA, COMPLEMENTATION GROUP A; Ataxia-telangiectasia, complementation group D; AT, COMPLEMENTATION GROUP C; ATAXIA-TELANGIECTASIA, FRESNO VARIANT. Identifiers: Orphanet 100, MedGen C0004135, MONDO:0008840, OMIM 208900.

Submissions (2):

Labcorp Genetics (formerly Invitae), Labcorp
Classification: Uncertain significance for Ataxia-telangiectasia syndrome. Last evaluated: 2024-07-29. Review status: criteria provided, single submitter. Criteria: Invitae Variant Classification Sherloc (09022015). Collection method: clinical testing. Allele origin: germline.
Comment: This sequence change falls in intron 33 of the ATM gene. It does not directly change the encoded amino acid sequence of the ATM protein. This variant is not present in population databases (gnomAD no frequency). This variant has not been reported in the literature in individuals affected with ATM-related conditions. ClinVar contains an entry for this variant (Variation ID: 478953). Algorithms developed to predict the effect of sequence changes on RNA splicing suggest that this variant may disrupt the consensus splice site. In summary, the available evidence is currently insufficient to determine the role of this variant in disease. Therefore, it has been classified as a Variant of Uncertain Significance.

Ambry Genetics
Classification: Uncertain significance for Hereditary cancer-predisposing syndrome. Last evaluated: 2022-08-04. Review status: criteria provided, single submitter. Criteria: Ambry Variant Classification Scheme 2023. Collection method: clinical testing. Allele origin: germline.
Comment: The c.5006-5T>A intronic variant results from a T to A substitution 5 nucleotides upstream from coding exon 33 in the ATM gene. This nucleotide position is well conserved in available vertebrate species. In silico splice site analysis predicts that this alteration will weaken the native splice acceptor site; however, direct evidence is insufficient at this time (Ambry internal data). Since supporting evidence is limited at this time, the clinical significance of this alteration remains unclear.

NM_000051.4(ATM):c.5006-5T>A

Gene: ATM (ATM serine/threonine kinase; plus strand). Cytogenetic location: 11q22.3.
Variant type: single nucleotide variant.
Coding change: c.5006-5T>A on transcript NM_000051.4 (MANE Select); 5 bases into the intron before coding-DNA position 5006, T replaced by A.
Molecular consequence: intron variant.
Genome position (GRCh38, 1-based): chr11:108,299,709, T>A. VCF-style: chr11-108299709-T-A. GRCh37 (hg19) VCF-style: chr11-108170436-T-A.
Other names: c.5006-5T>A (NM_001351834.2).
Identifiers: ClinVar variation 478953 (VCV000478953.16), dbSNP rs1555104475, ClinGen allele CA658656229.